The following is an entry in ClinVar:

NM_000297.4(PKD2):c.1095-1G>A

Gene: PKD2 (polycystin 2, transient receptor potential cation channel; plus strand). Cytogenetic location: 4q22.1.
Variant type: single nucleotide variant.
Coding change: c.1095-1G>A on transcript NM_000297.4 (MANE Select); the canonical splice acceptor site of the intron before coding-DNA position 1095, G replaced by A.
Molecular consequence: splice acceptor variant. On other transcripts: intron variant (1).
Genome position (GRCh38, 1-based): chr4:88,043,232, G>A. VCF-style: chr4-88043232-G-A. GRCh37 (hg19) VCF-style: chr4-88964384-G-A.
Other names: c.1095-3410G>A (NM_001440544.1).
Identifiers: ClinVar variation 4975001 (VCV004975001.1).
Genomic context (GRCh38, chr4:88,043,232, plus strand): 5'-TAATTGCCTCAAGTGTTCCACTGATTGTAACTGTTTGTTTTTTGGTTTTGTTTTTAATCA[G>A]TTGGATCTACACAAGTGAAAAAGACTTGAATGGTAGTAGCCACTGGGGAATCATTGCAAC-3'

ClinVar aggregate classification (germline): Pathogenic (1 of 4 stars; one submission).

Conditions:
Polycystic kidney disease 2 (PKD2). Also called: Polycystic Kidney Disease 2, Autosomal Dominant; POLYCYSTIC KIDNEY DISEASE, ADULT, TYPE II; POLYCYSTIC KIDNEY DISEASE 2 WITH OR WITHOUT POLYCYSTIC LIVER DISEASE. Identifiers: MedGen C2751306, MONDO:0013131, OMIM 613095.

Submission:

Clinical Genetics Laboratory, Skane University Hospital Lund
Classification: Pathogenic for Polycystic kidney disease 2. Last evaluated: 2026-09-17. Review status: criteria provided, single submitter. Criteria: ACMG Guidelines, 2015. Collection method: clinical testing. Allele origin: germline. Inheritance: Autosomal dominant inheritance. Affected: yes.
Comment: ACMG criteria: PVS1_Moderate, PS4_Supporting, PM2, PP1_Supporting and PP4_Strong.